The following is an entry in ClinVar:

ClinVar aggregate classification (germline): Uncertain significance (1 of 4 stars; one submission).

Conditions:
Vici syndrome (VICIS). Identifiers: Orphanet 1493, MedGen C1855772, MONDO:0009452, OMIM 242840.

gnomAD v4.1: 12 of 1,613,812 alleles (0.00074%); highest among the groups gnomAD compares: African/African-American, 0.016%; no homozygotes.

Submission:

Labcorp Genetics (formerly Invitae), Labcorp
Classification: Uncertain significance for Vici syndrome. Last evaluated: 2021-12-16. Review status: criteria provided, single submitter. Criteria: Invitae Variant Classification Sherloc (09022015). Collection method: clinical testing. Allele origin: germline.
Comment: This sequence change replaces arginine, which is basic and polar, with glycine, which is neutral and non-polar, at codon 2056 of the EPG5 protein (p.Arg2056Gly). This variant is present in population databases (rs116076204, gnomAD 0.02%). This variant has not been reported in the literature in individuals affected with EPG5-related conditions. Algorithms developed to predict the effect of missense changes on protein structure and function (SIFT, PolyPhen-2, Align-GVGD) all suggest that this variant is likely to be tolerated. Algorithms developed to predict the effect of sequence changes on RNA splicing suggest that this variant may create or strengthen a splice site. In summary, the available evidence is currently insufficient to determine the role of this variant in disease. Therefore, it has been classified as a Variant of Uncertain Significance.

NM_020964.3(EPG5):c.6166C>G (p.Arg2056Gly)

Gene: EPG5 (ectopic P-granules 5 autophagy tethering factor; minus strand). Cytogenetic location: 18q12.3.
Variant type: single nucleotide variant.
Coding change: c.6166C>G on transcript NM_020964.3 (MANE Select); coding-DNA position 6166, C replaced by G.
Protein change: p.Arg2056Gly; replaces arginine 2056 with glycine.
Molecular consequence: missense variant.
Genome position (GRCh38, 1-based): chr18:45,870,626, G>C on the plus strand (C>G on the coding strand, the complement: EPG5 is on the minus strand). VCF-style: chr18-45870626-G-C. GRCh37 (hg19) VCF-style: chr18-43450591-G-C.
Other names: c.6166C>G, p.Arg2056Gly (NM_001410858.1); c.6163C>G, p.Arg2055Gly (NM_001410859.1); short protein forms R2056G, R2055G.
Identifiers: ClinVar variation 1916339 (VCV001916339.2), dbSNP rs116076204, ClinGen allele CA8948357.